The following is an entry in ClinVar:

ClinVar aggregate classification (germline): Uncertain significance (1 of 4 stars; one submission).

Conditions:
Neurofibromatosis, type 1 (NF1). Also called: VON RECKLINGHAUSEN DISEASE; NEUROFIBROMATOSIS, TYPE I, SOMATIC; Peripheral type neurofibromatosis; Neurofibromatosis, type I. Identifiers: Orphanet 636, MedGen C0027831, MONDO:0018975, OMIM 162200. Disease mechanism: loss of function.

Submission:

Labcorp Genetics (formerly Invitae), Labcorp
Classification: Uncertain significance for Neurofibromatosis, type 1. Last evaluated: 2025-10-23. Review status: criteria provided, single submitter. Criteria: Invitae Variant Classification Sherloc (09022015). Collection method: clinical testing. Allele origin: germline.
Comment: This sequence change replaces glycine, which is neutral and non-polar, with alanine, which is neutral and non-polar, at codon 631 of the NF1 protein (p.Gly631Ala). This variant is not present in population databases (gnomAD no frequency). This variant has not been reported in the literature in individuals affected with NF1-related conditions. ClinVar contains an entry for this variant (Variation ID: 656247). Invitae Evidence Modeling of protein sequence and biophysical properties (such as structural, functional, and spatial information, amino acid conservation, physicochemical variation, residue mobility, and thermodynamic stability) indicates that this missense variant is not expected to disrupt NF1 protein function with a negative predictive value of 95%. In summary, the available evidence is currently insufficient to determine the role of this variant in disease. Therefore, it has been classified as a Variant of Uncertain Significance.

NM_001042492.3(NF1):c.1892G>C (p.Gly631Ala)

Gene: NF1 (neurofibromin 1; plus strand). Cytogenetic location: 17q11.2.
Variant type: single nucleotide variant.
Coding change: c.1892G>C on transcript NM_001042492.3 (MANE Select); coding-DNA position 1892, G replaced by C.
Protein change: p.Gly631Ala; replaces glycine 631 with alanine.
Molecular consequence: missense variant.
Genome position (GRCh38, 1-based): chr17:31,225,141, G>C. VCF-style: chr17-31225141-G-C. GRCh37 (hg19) VCF-style: chr17-29552159-G-C.
Other names: c.1892G>C, p.Gly631Ala (NM_000267.4); short protein forms G631A.
Identifiers: ClinVar variation 656247 (VCV000656247.5), dbSNP rs876660272, ClinGen allele CA399005197.